The following is an entry in ClinVar:

NM_005208.5(CRYBA1):c.500+2_500+3insTAT

Gene: CRYBA1 (crystallin beta A1; plus strand). Cytogenetic location: 17q11.2.
Variant type: Insertion.
Coding change: c.500+2_500+3insTAT on transcript NM_005208.5 (MANE Select); the canonical splice donor site of the intron after coding-DNA position 500 through 3 bases into the intron after coding-DNA position 500, TAT inserted.
Molecular consequence: splice donor variant.
Genome position: GRCh38 VCF-style: chr17-29253783-G-GTTA. GRCh37 (hg19) VCF-style: chr17-27580801-G-GTTA.
Identifiers: ClinVar variation 4085469 (VCV004085469.8).

ClinVar aggregate classification (germline): Uncertain significance (1 of 4 stars; one submission).

Submission:

CeGaT Center for Human Genetics Tuebingen
Classification: Uncertain significance. Last evaluated: 2025-07-01. Review status: criteria provided, single submitter. Criteria: CeGaT Center For Human Genetics Tuebingen Variant Classification Criteria Version 2. Collection method: clinical testing. Allele origin: germline. Affected: yes. Observed: 1 variant allele.
Comment: CRYBA1: PM2, PP3